The following is an entry in ClinVar:

ClinVar aggregate classification (germline): Benign (1 of 4 stars; one submission).

Allele frequency attached by ClinVar (database versions not stated): 1000 Genomes Project 0.00200; 1000 Genomes Project 30x 0.00250; TOPMed 0.00578; gnomAD 0.00701; ExAC 0.00725; gnomAD exomes 0.00912.
gnomAD v4.1: 11,385 of 1,299,656 alleles (0.88%); highest among the groups gnomAD compares: Non-Finnish European, 1.1%; 108 homozygotes.

Submission:

CeGaT Center for Human Genetics Tuebingen
Classification: Benign. Last evaluated: 2026-03-01. Review status: criteria provided, single submitter. Criteria: CeGaT Center For Human Genetics Tuebingen Variant Classification Criteria Version 2. Collection method: clinical testing. Allele origin: germline. Affected: yes. Observed: 14 variant alleles.
Comment: GTF2IRD2: PP2, BS1, BS2

NM_173537.5(GTF2IRD2):c.2146C>T (p.Arg716Cys)

Genes: GTF2IRD2 (GTF2I repeat domain containing 2; minus strand), LOC106029312 (Williams-Beuren syndrome medial block B recombination region; plus strand). Cytogenetic location: 7q11.23.
Variant type: single nucleotide variant.
Coding change: c.2146C>T on transcript NM_173537.5 (MANE Select); coding-DNA position 2146, C replaced by T.
Protein change: p.Arg716Cys; replaces arginine 716 with cysteine.
Molecular consequence: missense variant. On other transcripts: non-coding transcript variant (8), 3 prime UTR variant (4).
Genome position (GRCh38, 1-based): chr7:74,797,366, G>A on the plus strand (C>T on the coding strand, the complement: GTF2IRD2 is on the minus strand). VCF-style: chr7-74797366-G-A. GRCh37 (hg19) VCF-style: chr7-74211705-G-A.
Other names: c.2632C>T, p.Arg878Cys (NM_001368300.2); c.2161C>T, p.Arg721Cys (NM_001388079.1); c.2080C>T, p.Arg694Cys (NM_001388080.1); c.2068C>T, p.Arg690Cys (NM_001388081.1); c.2011C>T, p.Arg671Cys (NM_001388082.1); c.1933C>T, p.Arg645Cys (NM_001388083.1, NM_001388084.1); c.1651C>T, p.Arg551Cys (NM_001388085.1); c.1570C>T, p.Arg524Cys (NM_001388086.1); and 3 more; short protein forms R524C, R551C, R645C, R671C, R690C, R694C, R699C, R716C.
Identifiers: ClinVar variation 2657602 (VCV002657602.24), dbSNP rs12375120, ClinGen allele CA4298335.